The following is an entry in ClinVar:

ClinVar aggregate classification (germline): Pathogenic (1 of 4 stars; one submission).

Conditions:
Congenital hyperammonemia, type I. Also called: CPS I DEFICIENCY; Carbamoyl phosphate synthetase 1 deficiency; Hyperammonemia due to carbamoyl phosphate synthetase 1 deficiency; CPS 1 deficiency; Carbamyl phosphate synthetase (CPS) deficiency; Carbamoyl phosphate synthetase I deficiency disease. Identifiers: Orphanet 147, MedGen C4082171, MONDO:0009376, OMIM 237300.

Submission:

Myriad Genetics, Inc.
Classification: Pathogenic for Congenital hyperammonemia, type I. Last evaluated: 2025-02-14. Review status: criteria provided, single submitter. Criteria: Myriad Autosomal Dominant, Autosomal Recessive and X-Linked Classification Criteria (2023). Collection method: clinical testing. Allele origin: unknown.
Comment: NM_001875.4(CPS1):c.3912delC(Y1305Mfs*14) is expected to be pathogenic in the context of carbamoylphosphate synthetase I deficiency. This variant is predicted to lead to an abnormal or absent protein product due to the creation of a premature termination codon in CPS1, a gene where loss-of-function variants are known to be pathogenic. Please note: this variant was assessed in the context of healthy population screening.

NM_001875.5(CPS1):c.3912del (p.Tyr1305fs)

Gene: CPS1 (carbamoyl-phosphate synthase 1; plus strand). Cytogenetic location: 2q34.
Variant type: Deletion.
Coding change: c.3912del on transcript NM_001875.5 (MANE Select); coding-DNA position 3912, one base deleted (C; older notation c.3912delC).
Protein change: p.Tyr1305fs; shifts the reading frame from tyrosine 1305.
Molecular consequence: frameshift variant. On other transcripts: non-coding transcript variant (2).
Genome position (GRCh38, 1-based): chr2:210,660,640, C deleted. VCF-style (leftmost placement, unchanged base first): chr2-210660639-AC-A. GRCh37 (hg19) VCF-style: chr2-211525363-AC-A.
Other names: c.3912del, p.Tyr1305fs (NM_001122633.3, NM_001369257.1); c.3945del, p.Tyr1316fs (NM_001369256.1); short protein forms Y1305fs, Y1316fs.
Identifiers: ClinVar variation 5014098 (VCV005014098.1).
Genomic context (GRCh38, chr2:210,660,639, plus strand): 5'-TTGGAGAGAATGTTGATGAGAAACATCTTCCAACATTGGACCATCCCATAATTCCTGCTG[AC>A]TATGTTGCAATTAAGGTAACATTTTCAAAAATTTATTAGTCATTTTATGAGTTCTAGTGA-3'